The following is an entry in ClinVar:

NM_001039141.3(TRIOBP):c.3692G>A (p.Arg1231His)

Gene: TRIOBP (TRIO and F-actin binding protein; plus strand). Cytogenetic location: 22q13.1.
Variant type: single nucleotide variant.
Coding change: c.3692G>A on transcript NM_001039141.3 (MANE Select); coding-DNA position 3692, G replaced by A.
Protein change: p.Arg1231His; replaces arginine 1231 with histidine.
Molecular consequence: missense variant.
Genome position (GRCh38, 1-based): chr22:37,726,248, G>A. VCF-style: chr22-37726248-G-A. GRCh37 (hg19) VCF-style: chr22-38122255-G-A.
Other names: short protein forms R1231H.
Identifiers: ClinVar variation 1065017 (VCV001065017.9), dbSNP rs756780935, ClinGen allele CA10224188.
Genomic context (GRCh38, chr22:37,726,248, plus strand): 5'-TGCTGATCCCCCAAGTGTGCATCGGGCACCGGGATGCACCCCGAGCCTCCTCCCCACCCC[G>A]CCACCCACCCAGTGACCTAGCGTTCCTGGCACCCTCACCTTCACCGGGCAGCTCTGGGGG-3'
Protein context (NP_001034230.1, residues 1221-1241): RDAPRASSPP[Arg1231His]HPPSDLAFLA

ClinVar aggregate classification (germline): Uncertain significance. Review status: criteria provided, multiple submitters, no conflicts (2 of 4 stars). 3 submissions from 3 submitters: Uncertain significance (3). Last evaluated 2023-09-27.

Conditions:
Hearing impairment. Also called: Impaired Hearing. Identifiers: MedGen C1384666, MONDO:0005365, HP:0000365.

Allele frequency attached by ClinVar (database versions not stated): gnomAD 0.00001; ExAC 0.00002.
gnomAD v4.1: 11 of 1,217,744 alleles (0.0009%); highest among the groups gnomAD compares: East Asian, 0.013%; no homozygotes.

Submissions (3):

GeneDx
Classification: Uncertain significance. Last evaluated: 2023-09-27. Review status: criteria provided, single submitter. Criteria: GeneDx Variant Classification Process June 2021. Collection method: clinical testing. Allele origin: germline. Affected: yes.
Comment: In silico analysis supports that this missense variant does not alter protein structure/function; Has not been previously published as pathogenic or benign to our knowledge

Labcorp Genetics (formerly Invitae), Labcorp
Classification: Uncertain significance. Last evaluated: 2021-11-29. Review status: criteria provided, single submitter. Criteria: Invitae Variant Classification Sherloc (09022015). Collection method: clinical testing. Allele origin: germline.
Comment: Algorithms developed to predict the effect of missense changes on protein structure and function are either unavailable or do not agree on the potential impact of this missense change (SIFT: "Deleterious"; PolyPhen-2: "Probably Damaging"; Align-GVGD: "Class C0"). In summary, the available evidence is currently insufficient to determine the role of this variant in disease. Therefore, it has been classified as a Variant of Uncertain Significance. ClinVar contains an entry for this variant (Variation ID: 1065017). This variant has not been reported in the literature in individuals affected with TRIOBP-related conditions. This variant is present in population databases (rs756780935, gnomAD 0.02%). This sequence change replaces arginine, which is basic and polar, with histidine, which is basic and polar, at codon 1231 of the TRIOBP protein (p.Arg1231His).

Department of Otolaryngology – Head & Neck Surgery, Cochlear Implant Center
Classification: Uncertain significance for Hearing impairment. Last evaluated: 2021-04-12. Review status: criteria provided, single submitter. Criteria: ClinGen HL ACMG Specifications v1. Collection method: clinical testing. Allele origin: germline. Affected: yes.
Comment: PM2_Moderate, BP4_Supporting